The following is an entry in ClinVar:

ClinVar aggregate classification (germline): Pathogenic (1 of 4 stars; one submission).

Submission:

GeneDx
Classification: Pathogenic. Last evaluated: 2018-05-02. Review status: criteria provided, single submitter. Criteria: GeneDx Variant Classification (06012015). Collection method: clinical testing. Allele origin: germline. Affected: yes.
Comment: The c.5960delC variant in the CHD7 gene has been reported previously as a pathogenic variant nor as a benign variant, to our knowledge. The c.5960delC variant causes a frameshift starting with codon Proline 1987, changes this amino acid to a Leucine residue, and creates a premature Stop codon at position 2 of the new reading frame, denoted p.Pro1987LeufsX2. This variant is predicted to cause loss of normal protein function either through protein truncation or nonsense-mediated mRNA decay. The c.5960delC variant is not observed in large population cohorts (Lek et al., 2016; 1000 Genomes Consortium et al., 2015; Exome Variant Server). We interpret c.5960delC as a pathogenic variant.

NM_017780.4(CHD7):c.5960del (p.Pro1987fs)

Gene: CHD7 (chromodomain helicase DNA binding protein 7; plus strand). Cytogenetic location: 8q12.2.
Variant type: Deletion.
Coding change: c.5960del on transcript NM_017780.4 (MANE Select); coding-DNA position 5960, one base deleted (C; older notation c.5960delC).
Protein change: p.Pro1987fs; shifts the reading frame from proline 1987.
Molecular consequence: frameshift variant. On other transcripts: intron variant (1).
Genome position (GRCh38, 1-based): chr8:60,852,563, C deleted; the last of 3 consecutive C bases (chr8:60,852,561-60,852,563); deleting any one gives the same sequence. VCF-style (leftmost placement, unchanged base first): chr8-60852560-AC-A. GRCh37 (hg19) VCF-style: chr8-61765119-AC-A.
Other names: c.5960del (LRG_176t1); c.1717-9666del (NM_001316690.1); short protein forms P1987fs.
Identifiers: ClinVar variation 432380 (VCV000432380.2), dbSNP rs1554603963, ClinGen allele CA645372850.